The following is an entry in ClinVar:

NM_018062.4(FANCL):c.451A>C (p.Thr151Pro)

Gene: FANCL (FA complementation group L; minus strand). Cytogenetic location: 2p16.1.
Variant type: single nucleotide variant.
Coding change: c.451A>C on transcript NM_018062.4 (MANE Select); coding-DNA position 451, A replaced by C.
Protein change: p.Thr151Pro; replaces threonine 151 with proline.
Molecular consequence: missense variant.
Genome position (GRCh38, 1-based): chr2:58,204,150, T>G on the plus strand (A>C on the coding strand, the complement: FANCL is on the minus strand). VCF-style: chr2-58204150-T-G. GRCh37 (hg19) VCF-style: chr2-58431285-T-G.
Other names: c.451A>C, p.Thr151Pro (NM_001114636.2, NM_001374615.1, NM_001410792.1); short protein forms T151P.
Identifiers: ClinVar variation 2632346 (VCV002632346.2), dbSNP rs2467183583, ClinGen allele CA347034058.
Genomic context (GRCh38, chr2:58,204,150, plus strand): 5'-GTATTTTCTGATCACAATAACAGTTTAACGAGGCACATACCTTTGCCTTCAACTTGAGAG[T>G]GATTAAATGCTCTCTACCAGAAGCATCTTCTGCTTTTAACTTGATGGTACTGAAGCAGGT-3'
Protein context (NP_060532.2, residues 141-161): EDASGREHLI[Thr151Pro]LKLKAKYPAE

ClinVar aggregate classification (germline): Uncertain significance (1 of 4 stars; one submission).

Conditions:
FANCL-related disorder. Also called: FANCL-related condition.

Allele frequency attached by ClinVar (database versions not stated): gnomAD exomes below 0.00001.
gnomAD v4.1: 2 of 1,612,846 alleles (0.00012%); highest among the groups gnomAD compares: Non-Finnish European, 0.00017%; no homozygotes.

Submission:

PreventionGenetics, part of Exact Sciences
Classification: Uncertain significance for FANCL-related condition. Last evaluated: 2025-08-11. Review status: criteria provided, single submitter. Criteria: ACMG Guidelines, 2015. Collection method: clinical testing. Allele origin: germline.
Comment: The FANCL c.451A>C variant is predicted to result in the amino acid substitution p.Thr151Pro. To our knowledge, this variant has not been reported in the literature or in a large population database (gnomAD), indicating this variant is rare. At this time, the clinical significance of this variant is uncertain due to the absence of conclusive functional and genetic evidence.